The following is an entry in ClinVar:

GRCh37/hg19 22q13.2-13.33(chr22:43436847-51188164)x3

Genes: ACR (acrosin; plus strand), ADM2 (adrenomedullin 2; plus strand), ALG12 (ALG12 alpha-1,6-mannosyltransferase; minus strand), ARHGAP8 (Rho GTPase activating protein 8; plus strand), ARSA (arylsulfatase A; minus strand) and 73 more. Cytogenetic location: 22q13.2-13.33.
Variant type: copy number gain.
Change: copy number 3 (three copies instead of two) of chr22:43,436,847-51,188,164 (7.75 Mb, GRCh37 coordinates, 1-based), cytogenetic band 22q13.2-13.33.
Identifiers: ClinVar variation 1803808 (VCV001803808.3).

ClinVar aggregate classification (germline): Pathogenic (1 of 4 stars; one submission).

Submission:

Illumina Laboratory Services, Illumina
Classification: Pathogenic. Last evaluated: 2022-04-11. Review status: criteria provided, single submitter. Criteria: ICSL CNVClassificationCriteria Aug2020. Collection method: clinical testing. Allele origin: unknown.
Comment: This CNV is a 7.8 Mb duplication of 22q13.2-q13.33 on chromosome 22 (seq[GRCh37]dup(22)(q13.2q13.33); chr22:g.43436847_51188164dup) found in a de novo state. The CNV constitutes a duplication encompassing 76 protein coding genes. Duplications of this region of variable sizes have been reported in individuals in the literature and in the DECIPHER database. Common features include developmental delay, pre- and postnatal growth restriction, hypotonia, microcephaly, hypertelorism, low-set ears, congenital heart defects, renal anomalies, skeletal anomalies, and genital anomalies (Firth et al. 2009; Feenstra et al. 2006; Okamoto et al. 2007). Based on the available evidence, this CNV is classified as pathogenic.

Literature cited by the submitters: PubMed 16503209; PubMed 17975801; PubMed 19344873.